The following is an entry in ClinVar:

ClinVar aggregate classification (germline): Uncertain significance (1 of 4 stars; one submission).

Conditions:
Congenital contractural arachnodactyly (CCA). Also called: BEALS SYNDROME; Arthrogryposis, distal, type 9; Beals-Hecht syndrome. Identifiers: Orphanet 115, MedGen C0220668, MONDO:0007363, OMIM 121050.

Submission:

Labcorp Genetics (formerly Invitae), Labcorp
Classification: Uncertain significance for Congenital contractural arachnodactyly. Last evaluated: 2018-03-18. Review status: criteria provided, single submitter. Criteria: Invitae Variant Classification Sherloc (09022015). Collection method: clinical testing. Allele origin: germline.
Comment: In summary, the available evidence is currently insufficient to determine the role of this variant in disease. Therefore, it has been classified as a Variant of Uncertain Significance. Algorithms developed to predict the effect of missense changes on protein structure and function do not agree on the potential impact of this missense change (SIFT: "Deleterious"; PolyPhen-2: "Possibly Damaging"; Align-GVGD: "Class C0"). This variant has not been reported in the literature in individuals with FBN2-related disease. This variant is not present in population databases (ExAC no frequency). This sequence change replaces methionine with isoleucine at codon 2291 of the FBN2 protein (p.Met2291Ile). The methionine residue is highly conserved and there is a small physicochemical difference between methionine and isoleucine.

NM_001999.4(FBN2):c.6873G>A (p.Met2291Ile)

Gene: FBN2 (fibrillin 2; minus strand). Cytogenetic location: 5q23.3.
Variant type: single nucleotide variant.
Coding change: c.6873G>A on transcript NM_001999.4 (MANE Select); coding-DNA position 6873, G replaced by A.
Protein change: p.Met2291Ile; replaces methionine 2291 with isoleucine.
Molecular consequence: missense variant.
Genome position (GRCh38, 1-based): chr5:128,287,315, C>T on the plus strand (G>A on the coding strand, the complement: FBN2 is on the minus strand). VCF-style: chr5-128287315-C-T. GRCh37 (hg19) VCF-style: chr5-127623007-C-T.
Other names: short protein forms M2291I.
Identifiers: ClinVar variation 1057103 (VCV001057103.9), dbSNP rs1581189176, ClinGen allele CA360759429.
Genomic context (GRCh38, chr5:128,287,315, plus strand): 5'-TATCTCCAGCATGACAAATAAAGTTCGAACTACTCCCGAGTCTGAGGCCTTACCTTTGCA[C>T]ATCTTTTGATCTTCCCTGAGGGCATAGCCAATCGGGCACGTGCATTCATAGGACCCAAAA-3'
Protein context (NP_001990.2, residues 2281-2301): IGYALREDQK[Met2291Ile]CKDLDECAEG